The following is an entry in ClinVar:

ClinVar aggregate classification (germline): Uncertain significance (0 of 4 stars; one submission).

Allele frequency attached by ClinVar (database versions not stated): gnomAD exomes below 0.00001.
gnomAD v4.1: 1 of 1,612,100 alleles (0.000062%); highest among the groups gnomAD compares: Middle Eastern, 0.017%; no homozygotes.

Submission:

Martin Pollak Laboratory,  Beth Israel Deaconess Medical Center
Classification: Uncertain significance. Review status: no assertion criteria provided. Collection method: not provided. Allele origin: unknown.
Comment: Higher UCa2+ group
ClinVar note: Converted during submission from unknown to Uncertain significance.

NM_005070.4(SLC4A3):c.681C>T (p.Ala227=)

Gene: SLC4A3 (solute carrier family 4 member 3; plus strand). Cytogenetic location: 2q35.
Variant type: single nucleotide variant.
Coding change: c.681C>T on transcript NM_005070.4 (MANE Select); coding-DNA position 681, C replaced by T.
Protein change: p.Ala227=; no amino-acid change (alanine 227 retained).
Molecular consequence: synonymous variant. On other transcripts: non-coding transcript variant (1).
Genome position (GRCh38, 1-based): chr2:219,630,222, C>T. VCF-style: chr2-219630222-C-T. GRCh37 (hg19) VCF-style: chr2-220494944-C-T.
Other names: c.762C>T, p.Ala254= (NM_001326559.2, NM_201574.3).
Identifiers: ClinVar variation 64559 (VCV000064559.2), dbSNP rs387907532, ClinGen allele CA216403.